The following is an entry in ClinVar:

ClinVar aggregate classification (germline): Likely benign. Review status: criteria provided, multiple submitters, no conflicts (2 of 4 stars). 2 submissions from 2 submitters: Likely benign (2). Last evaluated 2024-06-19.

Submissions (2):

Labcorp Genetics (formerly Invitae), Labcorp
Classification: Likely benign. Last evaluated: 2024-06-19. Review status: criteria provided, single submitter. Criteria: Invitae Variant Classification Sherloc (09022015). Collection method: clinical testing. Allele origin: germline.

CeGaT Center for Human Genetics Tuebingen
Classification: Likely benign. Last evaluated: 2023-01-01. Review status: criteria provided, single submitter. Criteria: CeGaT Center For Human Genetics Tuebingen Variant Classification Criteria Version 2. Collection method: clinical testing. Allele origin: germline. Affected: yes. Observed: 1 variant allele.
Comment: CDC45: BP4, BP7

NM_003504.5(CDC45):c.1575G>A (p.Ala525=)

Gene: CDC45 (cell division cycle 45; plus strand). Cytogenetic location: 22q11.21.
Variant type: single nucleotide variant.
Coding change: c.1575G>A on transcript NM_003504.5 (MANE Select); coding-DNA position 1575, G replaced by A.
Protein change: p.Ala525=; no amino-acid change (alanine 525 retained).
Molecular consequence: synonymous variant. On other transcripts: non-coding transcript variant (1).
Genome position (GRCh38, 1-based): chr22:19,516,832, G>A. VCF-style: chr22-19516832-G-A. GRCh37 (hg19) VCF-style: chr22-19504355-G-A.
Other names: c.1671G>A, p.Ala557= (NM_001178010.2); c.1437G>A, p.Ala479= (NM_001178011.2); c.1539G>A, p.Ala513= (NM_001369291.1).
Identifiers: ClinVar variation 2168401 (VCV002168401.28), dbSNP rs201926336, ClinGen allele CA10101513.
Genomic context (GRCh38, chr22:19,516,832, plus strand): 5'-CCATTGCAGGCCGCCTGGCCCCCGACATGTCTTGTGTGTCAGCAGCTTTTTTGGGAGGGC[G>A]TTTGAGAAGGCAGCGGAAAGCACCAGCTCCCGGATGCTGCACAACCATTTTGACCTCTCA-3'
Protein context (NP_003495.1, residues 515-535): SSDRKNFFGR[Ala525=]FEKAAESTSS